The following is an entry in ClinVar:

ClinVar aggregate classification (germline): Uncertain significance. Review status: criteria provided, multiple submitters, no conflicts (2 of 4 stars). 4 submissions from 4 submitters: Uncertain significance (4). Last evaluated 2022-08-20.

Conditions:
Neurofibromatosis, type 1 (NF1). Also called: VON RECKLINGHAUSEN DISEASE; NEUROFIBROMATOSIS, TYPE I, SOMATIC; Peripheral type neurofibromatosis; Neurofibromatosis, type I. Identifiers: Orphanet 636, MedGen C0027831, MONDO:0018975, OMIM 162200. Disease mechanism: loss of function.

Submissions (4):

Labcorp Genetics (formerly Invitae), Labcorp
Classification: Uncertain significance for Neurofibromatosis, type 1. Last evaluated: 2022-08-20. Review status: criteria provided, single submitter. Criteria: Invitae Variant Classification Sherloc (09022015). Collection method: clinical testing. Allele origin: germline.
Comment: ClinVar contains an entry for this variant (Variation ID: 457709). In summary, the available evidence is currently insufficient to determine the role of this variant in disease. Therefore, it has been classified as a Variant of Uncertain Significance. Algorithms developed to predict the effect of missense changes on protein structure and function are either unavailable or do not agree on the potential impact of this missense change (SIFT: "Tolerated"; PolyPhen-2: "Probably Damaging"; Align-GVGD: "Class C0"). This variant has not been reported in the literature in individuals affected with NF1-related conditions. This variant is not present in population databases (gnomAD no frequency). This sequence change replaces histidine, which is basic and polar, with tyrosine, which is neutral and polar, at codon 1537 of the NF1 protein (p.His1537Tyr).

Genome-Nilou Lab
Classification: Uncertain significance for Neurofibromatosis, type 1. Last evaluated: 2022-03-15. Review status: criteria provided, single submitter. Criteria: ACMG Guidelines, 2015. Collection method: clinical testing. Allele origin: germline. Affected: no.

Institute of Human Genetics, University of Leipzig Medical Center
Classification: Uncertain significance for Neurofibromatosis, type 1. Last evaluated: 2019-01-01. Review status: criteria provided, single submitter. Criteria: ACMG Guidelines, 2015. Collection method: clinical testing. Allele origin: unknown. Affected: no.

GeneDx
Classification: Uncertain significance. Last evaluated: 2018-02-02. Review status: criteria provided, single submitter. Criteria: GeneDx Variant Classification (06012015). Collection method: clinical testing. Allele origin: germline. Affected: yes.
Comment: This variant is denoted NF1 c.4609C>T at the cDNA level, p.His1537Tyr (H1537Y) at the protein level, and results in the change of a Histidine to a Tyrosine (CAC>TAC). This variant has not, to our knowledge, been published in the literature as pathogenic or benign. NF1 His1537Tyr was not observed in large population cohorts (Lek 2016). This variant is located in the GTPase activating protein domain (Thomas 2012). In silico analysis, which includes protein predictors and evolutionary conservation, supports a deleterious effect. Based on currently available evidence, it is unclear whether NF1 His1537Tyr is a pathogenic or benign variant. We consider it to be a variant of uncertain significance.

NM_001042492.3(NF1):c.4672C>T (p.His1558Tyr)

Gene: NF1 (neurofibromin 1; plus strand). Cytogenetic location: 17q11.2.
Variant type: single nucleotide variant.
Coding change: c.4672C>T on transcript NM_001042492.3 (MANE Select); coding-DNA position 4672, C replaced by T.
Protein change: p.His1558Tyr; replaces histidine 1558 with tyrosine.
Molecular consequence: missense variant.
Genome position (GRCh38, 1-based): chr17:31,261,805, C>T. VCF-style: chr17-31261805-C-T. GRCh37 (hg19) VCF-style: chr17-29588823-C-T.
Other names: c.4609C>T, p.His1537Tyr (NM_000267.4); short protein forms H1558Y, H1537Y.
Identifiers: ClinVar variation 457709 (VCV000457709.9), dbSNP rs1468638747, ClinGen allele CA399000458.
Genomic context (GRCh38, chr17:31,261,805, plus strand): 5'-AAGATGGCAACACTTCTTGCATACCTGGGTCCTCCAGAGCACAAACCTGTGGCAGATACA[C>T]ACTGGTCCAGCCTTAACCTTACCAGTTCAAAGTTTGAGGAATTTATGACTAGGTAAAGTA-3'
Protein context (NP_001035957.1, residues 1548-1568): PPEHKPVADT[His1558Tyr]WSSLNLTSSK